The following is an entry in ClinVar:

ClinVar aggregate classification (germline): Pathogenic. Review status: criteria provided, multiple submitters, no conflicts (2 of 4 stars). 2 submissions from 2 submitters: Pathogenic (2). Last evaluated 2026-05-01.

Conditions:
Granulomatous disease, chronic, autosomal recessive, cytochrome b-negative. Also called: GRANULOMATOUS DISEASE, CHRONIC, AUTOSOMAL RECESSIVE, 4; Chronic granulomatous disease, autosomal, due to deficiency of CYBA; CGD DUE TO DEFICIENCY OF THE ALPHA SUBUNIT OF CYTOCHROME b; CGD, AUTOSOMAL RECESSIVE CYTOCHROME b-NEGATIVE; CYBA DEFICIENCY. Identifiers: Orphanet 379, MedGen C1856255, MONDO:0009308, OMIM 233690.

Submissions (2):

Myriad Genetics, Inc.
Classification: Pathogenic for Granulomatous disease, chronic, autosomal recessive, cytochrome b-negative. Last evaluated: 2026-05-01. Review status: criteria provided, single submitter. Criteria: Myriad Autosomal Dominant, Autosomal Recessive and X-Linked Classification Criteria (2023). Collection method: clinical testing. Allele origin: unknown.
Comment: NM_000101.3(CYBA):c.399delC(I134Sfs*57) is a frameshift variant classified as pathogenic in the context of chronic granulomatous disease, CYBA-related. I134Sfs*57 has been observed in cases with relevant disease (PMID: 34547651). Relevant functional assessments of this variant are not available in the literature. I134Sfs*57 has been observed in referenced population frequency databases. In summary, NM_000101.3(CYBA):c.399delC(I134Sfs*57) is a frameshift variant that has been observed more frequently in cases with the relevant disease than in healthy populations. Please note: this variant was assessed in the context of healthy population screening.

Labcorp Genetics (formerly Invitae), Labcorp
Classification: Pathogenic for Granulomatous disease, chronic, autosomal recessive, cytochrome b-negative. Last evaluated: 2025-10-23. Review status: criteria provided, single submitter. Criteria: Invitae Variant Classification Sherloc (09022015). Collection method: clinical testing. Allele origin: germline.
Comment: This sequence change creates a premature translational stop signal (p.Ile134Serfs*57) in the CYBA gene. While this is not anticipated to result in nonsense mediated decay, it is expected to disrupt the last 62 amino acid(s) of the CYBA protein. This variant is present in population databases (rs758709616, gnomAD 0.008%). This premature translational stop signal has been observed in individual(s) with chronic granulomatous disease (PMID: 20167518). ClinVar contains an entry for this variant (Variation ID: 1371434). This variant disrupts a region of the CYBA protein in which other variant(s) (p.Pro160Alafs*27) have been determined to be pathogenic (PMID: 20167518, 34547651; external communication, internal data). This suggests that this is a clinically significant region of the protein, and that variants that disrupt it are likely to be disease-causing. For these reasons, this variant has been classified as Pathogenic.

Literature cited by the submitters: PubMed 34547651 (cited by Myriad Genetics, Inc. and Labcorp Genetics (formerly Invitae), Labcorp); PubMed 20167518 (cited by Labcorp Genetics (formerly Invitae), Labcorp).

NM_000101.4(CYBA):c.399del (p.Ile134fs)

Gene: CYBA (cytochrome b-245 alpha chain; minus strand). Cytogenetic location: 16q24.2.
Variant type: Deletion.
Coding change: c.399del on transcript NM_000101.4 (MANE Select); coding-DNA position 399, one base deleted (C; older notation c.399delC).
Protein change: p.Ile134fs; shifts the reading frame from isoleucine 134.
Molecular consequence: frameshift variant.
Genome position (GRCh38, 1-based): chr16:88,643,542, G deleted on the plus strand (C on the coding strand, the reverse complement: CYBA is on the minus strand); the first of 3 consecutive G bases (chr16:88,643,542-88,643,544); deleting any one gives the same sequence. VCF-style (leftmost placement, unchanged base first): chr16-88643541-TG-T. GRCh37 (hg19) VCF-style: chr16-88709949-TG-T.
Other names: short protein forms I134fs.
Identifiers: ClinVar variation 1371434 (VCV001371434.8), dbSNP rs758709616, ClinGen allele CA8228204.
Genomic context (GRCh38, chr16:88,643,541, plus strand): 5'-TGCTGGGCGGCTGCTTGATGGTGCCTCCGATCTGCGGCCGCTCCCGGGGCTTGGGCTCGA[TG>T]GGCGTCCACTGCTCGCCACGCACAGCCGCCTGCGGGGCACTGAAGGGTTGAGCCGCGCCC-3'